The following is an entry in ClinVar:

ClinVar aggregate classification (germline): Uncertain significance. Review status: criteria provided, multiple submitters, no conflicts (2 of 4 stars). 2 submissions from 2 submitters: Uncertain significance (2). Last evaluated 2025-12-04.

Conditions:
Cardiovascular phenotype. Identifiers: MedGen CN230736.
Dilated cardiomyopathy 1W (CMD1W). Identifiers: Orphanet 154, MedGen C1969639, MONDO:0012667, OMIM 611407.

gnomAD v4.1: 6 of 1,613,876 alleles (0.00037%); highest among the groups gnomAD compares: Middle Eastern, 0.016%; no homozygotes.

Submissions (2):

Ambry Genetics
Classification: Uncertain significance for Cardiovascular phenotype. Last evaluated: 2025-12-04. Review status: criteria provided, single submitter. Criteria: Ambry Variant Classification Scheme 2023. Collection method: clinical testing. Allele origin: germline.

Labcorp Genetics (formerly Invitae), Labcorp
Classification: Uncertain significance for Dilated cardiomyopathy 1W. Last evaluated: 2021-07-07. Review status: criteria provided, single submitter. Criteria: Invitae Variant Classification Sherloc (09022015). Collection method: clinical testing. Allele origin: germline.
Comment: This variant has not been reported in the literature in individuals affected with VCL-related conditions. This variant is not present in population databases (ExAC no frequency). This sequence change replaces arginine with cysteine at codon 910 of the VCL protein (p.Arg910Cys). The arginine residue is moderately conserved and there is a large physicochemical difference between arginine and cysteine. In summary, the available evidence is currently insufficient to determine the role of this variant in disease. Therefore, it has been classified as a Variant of Uncertain Significance. Algorithms developed to predict the effect of missense changes on protein structure and function are either unavailable or do not agree on the potential impact of this missense change (SIFT: "Not Available"; PolyPhen-2: "Probably Damaging"; Align-GVGD: "Not Available").

NM_014000.3(VCL):c.2728C>T (p.Arg910Cys)

Gene: VCL (vinculin; plus strand). Cytogenetic location: 10q22.2.
Variant type: single nucleotide variant.
Coding change: c.2728C>T on transcript NM_014000.3 (MANE Select); coding-DNA position 2728, C replaced by T.
Protein change: p.Arg910Cys; replaces arginine 910 with cysteine.
Molecular consequence: missense variant.
Genome position (GRCh38, 1-based): chr10:74,109,139, C>T. VCF-style: chr10-74109139-C-T. GRCh37 (hg19) VCF-style: chr10-75868897-C-T.
Other names: c.2728C>T (NM_014000.2); c.2728C>T, p.Arg910Cys (NM_003373.4); short protein forms R910C.
Identifiers: ClinVar variation 1358801 (VCV001358801.8), dbSNP rs375595550, ClinGen allele CA209696740.